The following is an entry in ClinVar:

ClinVar aggregate classification (germline): Uncertain significance. Review status: reviewed by expert panel (3 of 4 stars). 10 submissions from 10 submitters: Uncertain significance (1). 9 of the submissions do not count toward it. Last evaluated 2023-08-21.

Conditions:
CDH1-related diffuse gastric and lobular breast cancer syndrome. Also called: CDH1-related diffuse gastric and lobular breast cancer. Identifiers: MedGen CN311521, MONDO:0100488.
Hereditary cancer-predisposing syndrome. Also called: Neoplastic Syndromes, Hereditary; Tumor predisposition; Hereditary neoplastic syndrome; Hereditary Cancer Syndrome. Identifiers: Orphanet 140162, MedGen C0027672, MeSH D009386, MONDO:0015356.
Familial cancer of breast. Also called: BREAST CANCER, FAMILIAL; Hereditary breast cancer; hereditary breast carcinoma. Identifiers: Orphanet 227535, MedGen C0346153, MONDO:0016419, OMIM 114480. Disease mechanism: loss of function.
Hereditary diffuse gastric adenocarcinoma (HDGC). Also called: DIFFUSE GASTRIC AND LOBULAR BREAST CANCER SYNDROME. Identifiers: Orphanet 26106, MedGen C1708349, MONDO:0007648, OMIM 137215.

Allele frequency attached by ClinVar (database versions not stated): gnomAD exomes 0.00001.
gnomAD v4.1: 4 of 1,539,850 alleles (0.00026%); highest among the groups gnomAD compares: Non-Finnish European, 0.00035%; no homozygotes.

Submissions (10):

Clingen Gastric Cancer Variant Curation Expert Panel
Classification: Uncertain significance for CDH1-related diffuse gastric and lobular breast cancer syndrome. Last evaluated: 2023-08-21. Review status: reviewed by expert panel. Criteria: ClinGen CDH1 ACMG Specifications V3.1. Collection method: curation. Allele origin: germline. Inheritance: Autosomal dominant inheritance.
Comment: The c.79C>T (p.Pro27Ser) variant has allele frequency <1 out of 100, 000 in the gnomAD cohort (1/156646 in gnomAD v2.1.1; PM2_Supporting). No additional evidence met criteria for consideration. In summary, the clinical significance of this variant is uncertain. ACMG/AMP criteria applied, as specified by the CDH1 Variant Curation Expert Panel (Variant Interpretation Guidelines Version 3.1): PM2_Supporting.

Quest Diagnostics Nichols Institute San Juan Capistrano
Classification: Uncertain significance. Last evaluated: 2025-02-19. Review status: criteria provided, single submitter. Criteria: Quest Diagnostics criteria. Collection method: clinical testing. Allele origin: unknown. Not counted in ClinVar's aggregate classification.
Comment: The CDH1 c.79C>T (p.Pro27Ser) variant has been reported in the published literature in individuals with breast cancer (PMID: 35264596 (2022)) and gastric cancer (PMIDs: 36436516 (2023), 30745422 (2019), 26182300 (2015)). The frequency of this variant in the general population (Genome Aggregation Database) is uninformative in the assessment of its pathogenicity. Analysis of this variant using bioinformatics tools for the prediction of the effect of amino acid changes on protein structure and function yielded predictions that this variant is benign. Based on the available information, we are unable to determine the clinical significance of this variant.

Color Diagnostics, LLC DBA Color Health
Classification: Uncertain significance for Hereditary cancer-predisposing syndrome. Last evaluated: 2025-02-18. Review status: criteria provided, single submitter. Criteria: ACMG Guidelines, 2015. Collection method: clinical testing. Allele origin: germline. Not counted in ClinVar's aggregate classification.
Comment: This missense variant replaces proline with serine at codon 27 of the CDH1 protein. To our knowledge, functional studies have not been reported for this variant. This variant has been reported in an individual affected with HDGC-associated cancer and in a related unaffected individual (PMID: 26182300). This variant has been identified in 4/1539850 chromosomes in the general population by the Genome Aggregation Database (gnomAD). The available evidence is insufficient to determine the role of this variant in disease conclusively. Therefore, this variant is classified as a Variant of Uncertain Significance.

Labcorp Genetics (formerly Invitae), Labcorp
Classification: Uncertain significance for Hereditary diffuse gastric adenocarcinoma. Last evaluated: 2025-02-13. Review status: criteria provided, single submitter. Criteria: Invitae Variant Classification Sherloc (09022015). Collection method: clinical testing. Allele origin: germline. Not counted in ClinVar's aggregate classification.
Comment: This sequence change replaces proline, which is neutral and non-polar, with serine, which is neutral and polar, at codon 27 of the CDH1 protein (p.Pro27Ser). This variant is not present in population databases (gnomAD no frequency). This missense change has been observed in individual(s) with gastric cancer and/or breast cancer (PMID: 26182300, 35264596). ClinVar contains an entry for this variant (Variation ID: 239913). An algorithm developed to predict the effect of missense changes on protein structure and function outputs the following: PolyPhen-2: "Benign". The serine amino acid residue is found in multiple mammalian species, which suggests that this missense change does not adversely affect protein function. In summary, the available evidence is currently insufficient to determine the role of this variant in disease. Therefore, it has been classified as a Variant of Uncertain Significance.

Ambry Genetics
Classification: Likely benign for Hereditary cancer-predisposing syndrome. Last evaluated: 2024-09-21. Review status: criteria provided, single submitter. Criteria: Ambry Variant Classification Scheme 2023. Collection method: clinical testing. Allele origin: germline. Not counted in ClinVar's aggregate classification.

Baylor Genetics
Classification: Uncertain significance for Familial cancer of breast. Last evaluated: 2024-03-05. Review status: criteria provided, single submitter. Criteria: ACMG Guidelines, 2015. Collection method: clinical testing. Allele origin: unknown. Not counted in ClinVar's aggregate classification.

European Reference Network on Genetic Tumour Risk Syndromes (ERN-GENTURIS), i3s - Instituto de Investigação e Inovação em Saúde, University of Porto
Classification: Uncertain significance for Hereditary diffuse gastric adenocarcinoma. Last evaluated: 2022-08-01. Review status: criteria provided, single submitter. Criteria: Lee et al. (Hum Mutat. 2018). Collection method: clinical testing. Allele origin: germline. Inheritance: Autosomal dominant inheritance. Affected: no. Study: ERN GENTURIS. Not counted in ClinVar's aggregate classification.
Comment: PM2 (PMID: 30311375)

GeneDx
Classification: Uncertain significance. Last evaluated: 2022-02-25. Review status: criteria provided, single submitter. Criteria: GeneDx Variant Classification Process June 2021. Collection method: clinical testing. Allele origin: germline. Affected: yes. Not counted in ClinVar's aggregate classification.
Comment: Not observed at significant frequency in large population cohorts (gnomAD); In silico analysis supports that this missense variant does not alter protein structure/function; Has not been previously published as pathogenic or benign to our knowledge; This variant is associated with the following publications: (PMID: 26182300, 27720647)

Mendelics
Classification: Uncertain significance for Hereditary diffuse gastric cancer. Last evaluated: 2018-07-02. Review status: criteria provided, single submitter. Criteria: Mendelics Assertion Criteria 2017. Collection method: clinical testing. Allele origin: unknown. Not counted in ClinVar's aggregate classification.

PreventionGenetics, part of Exact Sciences
Classification: Uncertain significance. Last evaluated: 2017-11-20. Review status: criteria provided, single submitter. Criteria: ACMG Guidelines, 2015. Collection method: clinical testing. Allele origin: germline. Not counted in ClinVar's aggregate classification.

Literature cited by the submitters: PubMed 35264596 (cited by 3 submitters); PubMed 30745422 (cited by Quest Diagnostics Nichols Institute San Juan Capistrano); PubMed 36436516 (cited by 3 submitters); PubMed 26182300 (cited by 4 submitters).

NM_004360.5(CDH1):c.79C>T (p.Pro27Ser)

Gene: CDH1 (cadherin 1; plus strand). Cytogenetic location: 16q22.1.
Variant type: single nucleotide variant.
Coding change: c.79C>T on transcript NM_004360.5 (MANE Select); coding-DNA position 79, C replaced by T.
Protein change: p.Pro27Ser; replaces proline 27 with serine.
Molecular consequence: missense variant. On other transcripts: 5 prime UTR variant (2).
Genome position (GRCh38, 1-based): chr16:68,738,327, C>T. VCF-style: chr16-68738327-C-T. GRCh37 (hg19) VCF-style: chr16-68772230-C-T.
Other names: NM_004360.4(CDH1):c.79C>T; c.79C>T, p.Pro27Ser (NM_001317184.2); c.-1537C>T (NM_001317185.2); c.-1741C>T (NM_001317186.2); short protein forms P27S.
Identifiers: ClinVar variation 239913 (VCV000239913.26), dbSNP rs878854696, ClinGen allele CA10583401.